The following is an entry in ClinVar:

ClinVar aggregate classification (germline): Conflicting classifications of pathogenicity. Review status: criteria provided, conflicting classifications (1 of 4 stars). 2 submissions from 2 submitters: Pathogenic (1); Uncertain significance (1). Last evaluated 2025-08-20.

Conditions:
Epidermolysis bullosa dystrophica. Also called: Dystrophic epidermolysis bullosa, Hallopeau-Siemens type (formerly); Dystrophic epidermolysis bullosa. Identifiers: Orphanet 303, MedGen C0079294, MONDO:0006543.
Recessive dystrophic epidermolysis bullosa (RDEB). Also called: EPIDERMOLYSIS BULLOSA DYSTROPHICA, GENERALIZED SEVERE, AUTOSOMAL RECESSIVE; Epidermolysis Bullosa Distrophica Autosomal Recessive (RDEB); DYSTROPHIC EPIDERMOLYSIS BULLOSA, AUTOSOMAL RECESSIVE; severe generalized recessive dystrophic epidermolysis bullosa; EPIDERMOLYSIS BULLOSA DYSTROPHICA, HALLOPEAU-SIEMENS TYPE; Hallopeau-Siemens Disease. Identifiers: Orphanet 79408, Orphanet 79409, MedGen C0079474, MONDO:0009179, OMIM 226600.

Allele frequency attached by ClinVar (database versions not stated): gnomAD 0.00001; TOPMed 0.00001; gnomAD exomes 0.00003.
gnomAD v4.1: 45 of 1,613,768 alleles (0.0028%); highest among the groups gnomAD compares: Non-Finnish European, 0.0033%; no homozygotes.

Submissions (2):

Myriad Genetics, Inc.
Classification: Uncertain significance for Recessive dystrophic epidermolysis bullosa. Last evaluated: 2025-08-20. Review status: criteria provided, single submitter. Criteria: Myriad Autosomal Dominant, Autosomal Recessive and X-Linked Classification Criteria (2023). Collection method: clinical testing. Allele origin: unknown.
Comment: NM_000094.3(COL7A1):c.6767C>T(P2256L) is a missense variant classified as a variant of uncertain significance in the context of dystrophic epidermolysis bullosa. P2256L has been observed in a case with relevant disease (PMID: 39141798). Relevant functional assessments of this variant are not available in the literature. P2256L has not been observed in referenced population frequency databases. In summary, there is insufficient evidence to classify NM_000094.3(COL7A1):c.6767C>T(P2256L) as pathogenic or benign. Please note: this variant was assessed in the context of healthy population screening.

Biomedical Innovation Departament, CIEMAT
Classification: Pathogenic for Dystrophic epidermolysis bullosa. Last evaluated: 2018-06-05. Review status: criteria provided, single submitter. Criteria: ACMG Guidelines, 2015. Collection method: research. Allele origin: germline. Affected: yes. Observed: 1 variant allele.

Literature cited by the submitters: PubMed 39141798 (cited by Myriad Genetics, Inc.); PubMed 25556825 (cited by Biomedical Innovation Departament, CIEMAT).

NM_000094.4(COL7A1):c.6767C>T (p.Pro2256Leu)

Gene: COL7A1 (collagen type VII alpha 1 chain; minus strand). Cytogenetic location: 3p21.31.
Variant type: single nucleotide variant.
Coding change: c.6767C>T on transcript NM_000094.4 (MANE Select); coding-DNA position 6767, C replaced by T.
Protein change: p.Pro2256Leu; replaces proline 2256 with leucine.
Molecular consequence: missense variant.
Genome position (GRCh38, 1-based): chr3:48,572,926, G>A on the plus strand (C>T on the coding strand, the complement: COL7A1 is on the minus strand). VCF-style: chr3-48572926-G-A. GRCh37 (hg19) VCF-style: chr3-48610359-G-A.
Other names: short protein forms P2256L.
Identifiers: ClinVar variation 1048017 (VCV001048017.2), dbSNP rs1160109522, ClinGen allele CA352654836.